The following is an entry in ClinVar:

ClinVar aggregate classification (germline): Benign/Likely benign. Review status: criteria provided, multiple submitters, no conflicts (2 of 4 stars). 5 submissions from 5 submitters: Benign (1); Likely benign (4). Last evaluated 2025-01-23.

Conditions:
Hereditary cancer-predisposing syndrome. Also called: Hereditary neoplastic syndrome; Hereditary Cancer Syndrome; Tumor predisposition; Neoplastic Syndromes, Hereditary. Identifiers: Orphanet 140162, MedGen C0027672, MeSH D009386, MONDO:0015356.
Hereditary nonpolyposis colorectal neoplasms. Identifiers: MedGen C0009405, MeSH D003123.
Lynch syndrome 4 (LYNCH4). Also called: Hereditary non-polyposis colorectal cancer, type 4; Colorectal cancer, hereditary nonpolyposis, type 4. Identifiers: Orphanet 144, MedGen C1838333, MONDO:0013699, OMIM 614337. Disease mechanism: loss of function.

Submissions (5):

Myriad Genetics, Inc.
Classification: Benign for Lynch syndrome 4. Last evaluated: 2025-01-23. Review status: criteria provided, single submitter. Criteria: Myriad Autosomal Dominant, Autosomal Recessive and X-Linked Classification Criteria (2023). Collection method: clinical testing. Allele origin: unknown.
Comment: This variant is considered benign. This variant is a silent/synonymous amino acid change and it is not expected to impact splicing.

Labcorp Genetics (formerly Invitae), Labcorp
Classification: Likely benign for Hereditary nonpolyposis colorectal neoplasms. Last evaluated: 2024-05-01. Review status: criteria provided, single submitter. Criteria: Invitae Variant Classification Sherloc (09022015). Collection method: clinical testing. Allele origin: germline.

Ambry Genetics
Classification: Likely benign for Hereditary cancer-predisposing syndrome. Last evaluated: 2023-07-23. Review status: criteria provided, single submitter. Criteria: Ambry Variant Classification Scheme 2023. Collection method: clinical testing. Allele origin: germline.

Color Diagnostics, LLC DBA Color Health
Classification: Likely benign for Hereditary cancer-predisposing syndrome. Last evaluated: 2021-03-23. Review status: criteria provided, single submitter. Criteria: ACMG Guidelines, 2015. Collection method: clinical testing. Allele origin: germline.

GeneDx
Classification: Likely benign. Last evaluated: 2021-03-05. Review status: criteria provided, single submitter. Criteria: GeneDx Variant Classification Process June 2021. Collection method: clinical testing. Allele origin: germline. Affected: yes.

NM_000535.7(PMS2):c.93G>T (p.Val31=)

Gene: PMS2 (PMS1 homolog 2, mismatch repair system component; minus strand). Cytogenetic location: 7p22.1.
Variant type: single nucleotide variant.
Coding change: c.93G>T on transcript NM_000535.7 (MANE Select); coding-DNA position 93, G replaced by T.
Protein change: p.Val31=; no amino-acid change (valine 31 retained).
Molecular consequence: synonymous variant. On other transcripts: 5 prime UTR variant (8), non-coding transcript variant (1), intron variant (3).
Genome position (GRCh38, 1-based): chr7:6,005,962, C>A on the plus strand (G>T on the coding strand, the complement: PMS2 is on the minus strand). VCF-style: chr7-6005962-C-A. GRCh37 (hg19) VCF-style: chr7-6045593-C-A.
Other names: c.-313G>T (NM_001322003.2, NM_001322005.2, NM_001322009.2 and 1 more transcripts); c.93G>T, p.Val31= (NM_001322006.2, NM_001322014.2); c.-123G>T (NM_001322007.2); c.-792G>T (NM_001322011.2, NM_001322012.2); c.-392G>T (NM_001322015.2); c.-52-1904G>T (NM_001322008.2); c.-242-1904G>T (NM_001322010.2, NM_001322004.2).
Identifiers: ClinVar variation 1153979 (VCV001153979.15), dbSNP rs2128845564, ClinGen allele CA453650278.
Genomic context (GRCh38, chr7:6,005,962, plus strand): 5'-GGCACCAGCATCCAGACTGTTTTCTACTAACTCCTTTACCGCAGTGCTTAGACTCAGTAC[C>A]ACCTGCCCAGAGCAAATCTGATGGACTGACTTCCGATCAATAGGTTTGATGGCCTTAGCA-3'
Protein context (NP_000526.2, residues 21-41): KSVHQICSGQ[Val31=]VLSLSTAVKE